The following is an entry in ClinVar:

ClinVar aggregate classification (germline): Uncertain significance. Review status: criteria provided, multiple submitters, no conflicts (2 of 4 stars). 2 submissions from 2 submitters: Uncertain significance (2). Last evaluated 2024-10-28.

Conditions:
Hereditary nonpolyposis colorectal neoplasms. Identifiers: MedGen C0009405, MeSH D003123.
Hereditary cancer-predisposing syndrome. Also called: Neoplastic Syndromes, Hereditary; Tumor predisposition; Hereditary Cancer Syndrome; Hereditary neoplastic syndrome. Identifiers: Orphanet 140162, MedGen C0027672, MeSH D009386, MONDO:0015356.

Submissions (2):

Ambry Genetics
Classification: Uncertain significance for Hereditary cancer-predisposing syndrome. Last evaluated: 2024-10-28. Review status: criteria provided, single submitter. Criteria: Ambry Variant Classification Scheme 2023. Collection method: clinical testing. Allele origin: germline.
Comment: The p.Q237R variant (also known as c.710A>G), located in coding exon 7 of the PMS2 gene, results from an A to G substitution at nucleotide position 710. The glutamine at codon 237 is replaced by arginine, an amino acid with highly similar properties. This amino acid position is conserved. In addition, the in silico prediction for this alteration is inconclusive. Based on the available evidence, the clinical significance of this variant remains unclear.

Labcorp Genetics (formerly Invitae), Labcorp
Classification: Uncertain significance for Hereditary nonpolyposis colorectal neoplasms. Last evaluated: 2024-09-30. Review status: criteria provided, single submitter. Criteria: Invitae Variant Classification Sherloc (09022015). Collection method: clinical testing. Allele origin: germline.
Comment: This sequence change replaces glutamine, which is neutral and polar, with arginine, which is basic and polar, at codon 237 of the PMS2 protein (p.Gln237Arg). This variant is not present in population databases (gnomAD no frequency). This variant has not been reported in the literature in individuals affected with PMS2-related conditions. Invitae Evidence Modeling of protein sequence and biophysical properties (such as structural, functional, and spatial information, amino acid conservation, physicochemical variation, residue mobility, and thermodynamic stability) indicates that this missense variant is expected to disrupt PMS2 protein function with a positive predictive value of 80%. In summary, the available evidence is currently insufficient to determine the role of this variant in disease. Therefore, it has been classified as a Variant of Uncertain Significance.

NM_000535.7(PMS2):c.710A>G (p.Gln237Arg)

Gene: PMS2 (PMS1 homolog 2, mismatch repair system component; minus strand). Cytogenetic location: 7p22.1.
Variant type: single nucleotide variant.
Coding change: c.710A>G on transcript NM_000535.7 (MANE Select); coding-DNA position 710, A replaced by G.
Protein change: p.Gln237Arg; replaces glutamine 237 with arginine.
Molecular consequence: missense variant. On other transcripts: 5 prime UTR variant (2), non-coding transcript variant (1), intron variant (3).
Genome position (GRCh38, 1-based): chr7:5,997,419, T>C on the plus strand (A>G on the coding strand, the complement: PMS2 is on the minus strand). VCF-style: chr7-5997419-T-C. GRCh37 (hg19) VCF-style: chr7-6037050-T-C.
Other names: c.305A>G, p.Gln102Arg (NM_001322003.2, NM_001322004.2, NM_001322005.2 and 19 more transcripts); c.710A>G, p.Gln237Arg (NM_001322006.2, NM_001322014.2, NM_001406870.1 and 3 more transcripts); c.392A>G, p.Gln131Arg (NM_001322007.2, NM_001322008.2, NM_001406876.1 and 4 more transcripts); c.-224A>G (NM_001322011.2, NM_001322012.2); c.137A>G, p.Gln46Arg (NM_001322013.2, NM_001406909.1); c.401A>G, p.Gln134Arg (NM_001322015.2, NM_001406875.1, NM_001406877.1 and 6 more transcripts); c.896A>G, p.Gln299Arg (NM_001406866.1); c.734A>G, p.Gln245Arg (NM_001406868.1); and 7 more; short protein forms Q181R, Q102R, Q201R, Q245R, Q299R, Q131R, Q134R, Q66R.
Identifiers: ClinVar variation 3421530 (VCV003421530.3).
Genomic context (GRCh38, chr7:5,997,419, plus strand): 5'-AAACCGTACTCTTCACACACGGAGTCACTAGGGGGCAGCTGAACAAAAGGAATGAGGCTT[T>C]GCAACTGAAAAAAAAAAAAAAAAATTCACAGTTACTTCCTAATAAAGACAGAGTGGACTT-3'
Protein context (NP_000526.2, residues 227-247): IGSVFGQKQL[Gln237Arg]SLIPFVQLPP